The following is an entry in ClinVar:

NM_138393.4(REEP6):c.-7_23del (p.Met1_Val8del)

Genes: REEP6 (receptor accessory protein 6; plus strand), LOC130062962 (ATAC-STARR-seq lymphoblastoid silent region 9723; plus strand). Cytogenetic location: 19p13.3.
Variant type: Deletion.
Coding change: c.-7_23del on transcript NM_138393.4 (MANE Select); 7 bases upstream of the start codon through coding-DNA position 23, 30 bases deleted (CGGGGCCATGGACGGCCTGAGGCAGCGCGT).
Protein change: p.Met1_Val8del.
Molecular consequence: inframe deletion, initiator codon variant.
Genome position (GRCh38, 1-based): chr19:1,491,263-1,491,292, CGGGGCCATGGACGGCCTGAGGCAGCGCGT deleted; deleting any 30 consecutive bases within chr19:1,491,257-1,491,292 gives the same sequence; the c. name uses the placement nearest the transcript's 3' end. VCF-style (leftmost placement, unchanged base first): chr19-1491256-GGCGCGTCGGGGCCATGGACGGCCTGAGGCA-G. GRCh37 (hg19) VCF-style: chr19-1491255-GGCGCGTCGGGGCCATGGACGGCCTGAGGCA-G.
Other names: c.-7_23del, p.Met1_Val8del (NM_001329556.3).
Identifiers: ClinVar variation 2133570 (VCV002133570.5), dbSNP rs2512795443, ClinGen allele CA2580096054.

ClinVar aggregate classification (germline): Pathogenic (1 of 4 stars; one submission).

Submission:

Labcorp Genetics (formerly Invitae), Labcorp
Classification: Pathogenic. Last evaluated: 2025-01-15. Review status: criteria provided, single submitter. Criteria: Invitae Variant Classification Sherloc (09022015). Collection method: clinical testing. Allele origin: germline.
Comment: This sequence change affects the initiator methionine of the REEP6 mRNA. The next in-frame methionine is located at codon 124. This variant is not present in population databases (gnomAD no frequency). This variant has not been reported in the literature in individuals affected with REEP6-related conditions. ClinVar contains an entry for this variant (Variation ID: 2133570). This variant disrupts a region of the REEP6 protein in which other variant(s) (p.Glu75Lys) have been determined to be pathogenic (PMID: 28369466, 36284460, 36819107; internal data). This suggests that this is a clinically significant region of the protein, and that variants that disrupt it are likely to be disease-causing. For these reasons, this variant has been classified as Pathogenic.

Literature cited by the submitters: PubMed 28369466; PubMed 36284460; PubMed 36819107.